The following is an entry in ClinVar:

NM_018489.3(ASH1L):c.6446A>G (p.Glu2149Gly)

Gene: ASH1L (ASH1 like histone lysine methyltransferase; minus strand). Cytogenetic location: 1q22.
Variant type: single nucleotide variant.
Coding change: c.6446A>G on transcript NM_018489.3 (MANE Select); coding-DNA position 6446, A replaced by G.
Protein change: p.Glu2149Gly; replaces glutamic acid 2149 with glycine.
Molecular consequence: missense variant.
Genome position (GRCh38, 1-based): chr1:155,370,870, T>C on the plus strand (A>G on the coding strand, the complement: ASH1L is on the minus strand). VCF-style: chr1-155370870-T-C. GRCh37 (hg19) VCF-style: chr1-155340661-T-C.
Other names: c.6461A>G, p.Glu2154Gly (NM_001366177.2); short protein forms E2154G, E2149G.
Identifiers: ClinVar variation 2529445 (VCV002529445.5), dbSNP rs2525959946, ClinGen allele CA342754683.

ClinVar aggregate classification (germline): Uncertain significance. Review status: criteria provided, multiple submitters, no conflicts (2 of 4 stars). 3 submissions from 3 submitters: Uncertain significance (2). 1 of the submissions does not count toward it. Last evaluated 2023-06-09.

Conditions:
Inborn genetic diseases. Identifiers: MedGen C0950123, MeSH D030342.
ASH1L-related disorder. Also called: ASH1L-related condition.

Submissions (3):

GeneDx
Classification: Uncertain significance. Last evaluated: 2023-06-09. Review status: criteria provided, single submitter. Criteria: GeneDx Variant Classification Process June 2021. Collection method: clinical testing. Allele origin: germline. Affected: yes.
Comment: Not observed at significant frequency in large population cohorts (gnomAD); In silico analysis supports that this missense variant does not alter protein structure/function; Has not been previously published as pathogenic or benign to our knowledge

Ambry Genetics
Classification: Uncertain significance for Inborn genetic diseases. Last evaluated: 2023-03-24. Review status: criteria provided, single submitter. Criteria: Ambry Variant Classification Scheme 2023. Collection method: clinical testing. Allele origin: germline.

PreventionGenetics, part of Exact Sciences
Classification: Uncertain significance for ASH1L-related condition. Last evaluated: 2024-01-25. Review status: no assertion criteria provided. Collection method: clinical testing. Allele origin: germline. Not counted in ClinVar's aggregate classification.
Comment: The ASH1L c.6446A>G variant is predicted to result in the amino acid substitution p.Glu2149Gly. To our knowledge, this variant has not been reported in the literature or in a large population database, indicating this variant is rare. At this time, the clinical significance of this variant is uncertain due to the absence of conclusive functional and genetic evidence.